The following is an entry in ClinVar:

NM_006343.3(MERTK):c.-34G>A

Gene: MERTK (MER proto-oncogene, tyrosine kinase; plus strand). Cytogenetic location: 2q13.
Variant type: single nucleotide variant.
Coding change: c.-34G>A on transcript NM_006343.3 (MANE Select); 34 bases upstream of the start codon, G replaced by A.
Molecular consequence: 5 prime UTR variant.
Genome position (GRCh38, 1-based): chr2:111,898,702, G>A. VCF-style: chr2-111898702-G-A. GRCh37 (hg19) VCF-style: chr2-112656279-G-A.
Identifiers: ClinVar variation 330739 (VCV000330739.5), dbSNP rs141412373, ClinGen allele CA1830937.

ClinVar aggregate classification (germline): Likely benign (1 of 4 stars; one submission).

Conditions:
Retinitis pigmentosa (RP). Identifiers: Orphanet 791, MedGen C0035334, MeSH D012174, MONDO:0019200, OMIM 268000. Inheritance: Autosomal dominant, autosomal recessive and X linked inheritance.

Allele frequency attached by ClinVar (database versions not stated): gnomAD exomes 0.00159 and 0.00409; ExAC 0.00637; gnomAD 0.01554; ESP Exome Variant Server 0.01559; 1000 Genomes Project 0.01777; TOPMed 0.01811; 1000 Genomes Project 30x 0.01983.
gnomAD v4.1: 4,919 of 1,599,686 alleles (0.31%); highest among the groups gnomAD compares: African/African-American, 5.8%; 135 homozygotes.

Submission:

Illumina Laboratory Services, Illumina
Classification: Likely benign for Retinitis pigmentosa. Last evaluated: 2018-01-13. Review status: criteria provided, single submitter. Criteria: ICSL Variant Classification Criteria 13 December 2019. Collection method: clinical testing. Allele origin: germline.
Comment: This variant was observed in the ICSL laboratory as part of a predisposition screen in an ostensibly healthy population. It had not been previously curated by ICSL or reported in the Human Gene Mutation Database (HGMD: prior to June 1st, 2018), and was therefore a candidate for classification through an automated scoring system. Utilizing variant allele frequency, disease prevalence and penetrance estimates, and inheritance mode, an automated score was calculated to assess if this variant is too frequent to cause the disease. Based on the score and internal cut-off values, a variant classified as likely benign is not then subjected to further curation. The score for this variant resulted in a classification of likely benign for this disease.